The following is an entry in ClinVar:

ClinVar aggregate classification (germline): Pathogenic (1 of 4 stars; one submission).

Conditions:
Severe myoclonic epilepsy in infancy (DRVT). Also called: Epileptic encephalopathy, early infantile, 6 (Dravet syndrome); SEVERE MYOCLONIC EPILEPSY OF INFANCY; DEVELOPMENTAL AND EPILEPTIC ENCEPHALOPATHY 6A; Severe Myoclonic Epilepsy in Infancy (SMEI); Dravet syndrome. Identifiers: Orphanet 33069, MedGen C0751122, MONDO:0100135, OMIM 607208.

Submission:

Center for Bioinformatics, Peking University
Classification: Pathogenic for Dravet syndrome. Last evaluated: 2014-12-20. Review status: criteria provided, single submitter. Criteria: Xu et al. (Hum Mutat. 2015). Collection method: research. Allele origin: de novo. Affected: yes. Observed: 1 variant allele. Study: University Clinical Cooperation “985 Project” PKU-2014-1-1.
Comment: Dravet syndrome (DS) probands were recruited from the outpatient and inpatient child neurology units of Peking University First Hospital from 2005 till present. The study was approved by the Ethics Committee of Peking University First Hospital and the Institutional Review Board at Peking University. Participants or their parents provided written informed consent before enrollment. We collected a total of 267 mutations from 255 families with probands diagnosed with DS in China. All probands fulfilled the clinical diagnostic criteria.

NM_001165963.4(SCN1A):c.825_826insGTATA (p.Lys276delinsValTer)

Gene: SCN1A (sodium voltage-gated channel alpha subunit 1; minus strand). Cytogenetic location: 2q24.3.
Variant type: Insertion.
Coding change: c.825_826insGTATA on transcript NM_001165963.4 (MANE Select); coding-DNA positions 825 to 826, GTATA inserted.
Protein change: p.Lys276delinsValTer.
Molecular consequence: nonsense. On other transcripts: 5 prime UTR variant (1), non-coding transcript variant (1).
Genome position: GRCh38 VCF-style: chr2-166051857-T-TTATAC. GRCh37 (hg19) VCF-style: chr2-166908367-T-TTATAC.
Other names: c.825_826insGTATA, p.Lys276delinsValTer (NM_001165964.3, NM_001202435.3, NM_001353948.2 and 10 more transcripts); c.-1601_-1600insGTATA (NM_001353961.2).
Identifiers: ClinVar variation 189979 (VCV000189979.1), dbSNP rs794726812, ClinGen allele CA303471.